The following is an entry in ClinVar:

NM_020778.5(ALPK3):c.1928C>G (p.Ala643Gly)

Gene: ALPK3 (alpha kinase 3; plus strand). Cytogenetic location: 15q25.3.
Variant type: single nucleotide variant.
Coding change: c.1928C>G on transcript NM_020778.5 (MANE Select); coding-DNA position 1928, C replaced by G.
Protein change: p.Ala643Gly; replaces alanine 643 with glycine.
Molecular consequence: missense variant.
Genome position (GRCh38, 1-based): chr15:84,856,666, C>G. VCF-style: chr15-84856666-C-G. GRCh37 (hg19) VCF-style: chr15-85399897-C-G.
Other names: short protein forms A643G.
Identifiers: ClinVar variation 2827399 (VCV002827399.3), dbSNP rs773203708, ClinGen allele CA393355284.
Genomic context (GRCh38, chr15:84,856,666, plus strand): 5'-GGGGAGATGGAACACAGACAGCCCAGAGGACACGTGCAGATAGGAAGACGCAGGTGGATG[C>G]TGGGACACAAGAAAGCAAGAGGCCACAGTCAGACAGGAGTGCACAGAAGGGCATGATGAC-3'
Protein context (NP_065829.4, residues 633-653): TRADRKTQVD[Ala643Gly]GTQESKRPQS

ClinVar aggregate classification (germline): Uncertain significance (1 of 4 stars; one submission).

gnomAD v4.1: 4 of 1,613,974 alleles (0.00025%); highest among the groups gnomAD compares: Non-Finnish European, 0.00025%; no homozygotes.

Submission:

Labcorp Genetics (formerly Invitae), Labcorp
Classification: Uncertain significance. Last evaluated: 2023-11-15. Review status: criteria provided, single submitter. Criteria: Invitae Variant Classification Sherloc (09022015). Collection method: clinical testing. Allele origin: germline.
Comment: This sequence change replaces alanine, which is neutral and non-polar, with glycine, which is neutral and non-polar, at codon 845 of the ALPK3 protein (p.Ala845Gly). This variant is present in population databases (no rsID available, gnomAD no frequency). This variant has not been reported in the literature in individuals affected with ALPK3-related conditions. An algorithm developed to predict the effect of missense changes on protein structure and function (PolyPhen-2) suggests that this variant is likely to be tolerated. In summary, the available evidence is currently insufficient to determine the role of this variant in disease. Therefore, it has been classified as a Variant of Uncertain Significance.